The following is an entry in ClinVar:

NC_000014.9:g.(?_66879919)_(66880053_?)del

Gene: GPHN (gephyrin; plus strand). Cytogenetic location: 14q23.3.
Variant type: Deletion.
Identifiers: ClinVar variation 655222 (VCV000655222.5).

ClinVar aggregate classification (germline): Pathogenic (1 of 4 stars; one submission).

Conditions:
Sulfite oxidase deficiency due to molybdenum cofactor deficiency type C. Also called: Molybdenum cofactor deficiency C; Molybdenum cofactor deficiency, complementation group C. Identifiers: Orphanet 308400, Orphanet 833, MedGen C1854990, MONDO:0014212, OMIM 615501.

Submission:

Labcorp Genetics (formerly Invitae), Labcorp
Classification: Pathogenic for Sulfite oxidase deficiency due to molybdenum cofactor deficiency type C. Last evaluated: 2023-07-25. Review status: criteria provided, single submitter. Criteria: Invitae Variant Classification Sherloc (09022015). Collection method: clinical testing. Allele origin: germline.
Comment: For these reasons, this variant has been classified as Pathogenic. This variant has not been reported in the literature in individuals affected with GPHN-related conditions. This variant is a gross deletion of the genomic region encompassing exon(s) 5 of the GPHN gene. This deletion is out-of-frame, and is expected to create a premature termination codon and result in an absent or disrupted protein product. Loss-of-function variants in GPHN are known to be pathogenic (PMID: 11095995, 23184456, 23393157, 24561070, 26613940).

Literature cited by the submitters: PubMed 11095995; PubMed 23184456; PubMed 23393157; PubMed 24561070; PubMed 26613940.